The following is an entry in ClinVar:

NM_007325.5(GRIA3):c.741C>T (p.Leu247=)

Gene: GRIA3 (glutamate ionotropic receptor AMPA type subunit 3; plus strand). Cytogenetic location: Xq25.
Variant type: single nucleotide variant.
Coding change: c.741C>T on transcript NM_007325.5 (MANE Select); coding-DNA position 741, C replaced by T.
Protein change: p.Leu247=; no amino-acid change (leucine 247 retained).
Molecular consequence: synonymous variant.
Genome position (GRCh38, 1-based): chrX:123,354,954, C>T. VCF-style: chrX-123354954-C-T. GRCh37 (hg19) VCF-style: chrX-122488805-C-T.
Other names: c.741C>T, p.Leu247= (NM_000828.5).
Identifiers: ClinVar variation 1924421 (VCV001924421.29), dbSNP rs191150303, ClinGen allele CA335236237.

ClinVar aggregate classification (germline): Likely benign. Review status: criteria provided, multiple submitters, no conflicts (2 of 4 stars). 2 submissions from 2 submitters: Likely benign (2). Last evaluated 2023-05-25.

Allele frequency attached by ClinVar (database versions not stated): 1000 Genomes Project 30x 0.00021; 1000 Genomes Project 0.00026; gnomAD exomes below 0.00001; gnomAD 0.00001; TOPMed 0.00001.
gnomAD v4.1: 5 of 1,186,093 alleles (0.00042%); highest among the groups gnomAD compares: East Asian, 0.003%; no homozygotes.

Submissions (2):

Labcorp Genetics (formerly Invitae), Labcorp
Classification: Likely benign. Last evaluated: 2023-05-25. Review status: criteria provided, single submitter. Criteria: Invitae Variant Classification Sherloc (09022015). Collection method: clinical testing. Allele origin: germline.

CeGaT Center for Human Genetics Tuebingen
Classification: Likely benign. Last evaluated: 2022-06-01. Review status: criteria provided, single submitter. Criteria: CeGaT Center For Human Genetics Tuebingen Variant Classification Criteria Version 2. Collection method: clinical testing. Allele origin: germline. Affected: yes. Observed: 1 variant allele.
Comment: GRIA3: BP4, BP7